The following is an entry in ClinVar:

NM_182493.3(MYLK3):c.1532C>T (p.Ala511Val)

Gene: MYLK3 (myosin light chain kinase 3; minus strand). Cytogenetic location: 16q11.2.
Variant type: single nucleotide variant.
Coding change: c.1532C>T on transcript NM_182493.3 (MANE Select); coding-DNA position 1532, C replaced by T.
Protein change: p.Ala511Val; replaces alanine 511 with valine.
Molecular consequence: missense variant.
Genome position (GRCh38, 1-based): chr16:46,730,629, G>A on the plus strand (C>T on the coding strand, the complement: MYLK3 is on the minus strand). VCF-style: chr16-46730629-G-A. GRCh37 (hg19) VCF-style: chr16-46764541-G-A.
Other names: c.509C>T, p.Ala170Val (NM_001308301.1); c.1532C>T (NM_182493.2); short protein forms A511V, A170V.
Identifiers: ClinVar variation 1394056 (VCV001394056.8), dbSNP rs779807650, ClinGen allele CA8037953.

ClinVar aggregate classification (germline): Uncertain significance. Review status: criteria provided, multiple submitters, no conflicts (2 of 4 stars). 2 submissions from 2 submitters: Uncertain significance (2). Last evaluated 2025-04-01.

Allele frequency attached by ClinVar (database versions not stated): ExAC 0.00001; gnomAD exomes 0.00001; gnomAD 0.00002.
gnomAD v4.1: 16 of 1,613,842 alleles (0.00099%); highest among the groups gnomAD compares: Admixed American, 0.0033%; no homozygotes.

Submissions (2):

Labcorp Genetics (formerly Invitae), Labcorp
Classification: Uncertain significance. Last evaluated: 2025-04-01. Review status: criteria provided, single submitter. Criteria: Invitae Variant Classification Sherloc (09022015). Collection method: clinical testing. Allele origin: germline.
Comment: This sequence change replaces alanine, which is neutral and non-polar, with valine, which is neutral and non-polar, at codon 511 of the MYLK3 protein (p.Ala511Val). This variant is present in population databases (rs779807650, gnomAD 0.004%). This variant has not been reported in the literature in individuals affected with MYLK3-related conditions. ClinVar contains an entry for this variant (Variation ID: 1394056). An algorithm developed to predict the effect of missense changes on protein structure and function (PolyPhen-2) suggests that this variant is likely to be tolerated. In summary, the available evidence is currently insufficient to determine the role of this variant in disease. Therefore, it has been classified as a Variant of Uncertain Significance.

Ambry Genetics
Classification: Uncertain significance. Last evaluated: 2024-08-14. Review status: criteria provided, single submitter. Criteria: Ambry Variant Classification Scheme 2023. Collection method: clinical testing. Allele origin: germline.